The following is an entry in ClinVar:

NM_001267550.2(TTN):c.88688G>A (p.Gly29563Asp)

Genes: TTN (titin; minus strand), TTN-AS1 (TTN antisense RNA 1; plus strand). Cytogenetic location: 2q31.2.
Variant type: single nucleotide variant.
Coding change: c.88688G>A on transcript NM_001267550.2 (MANE Select); coding-DNA position 88688, G replaced by A.
Protein change: p.Gly29563Asp; replaces glycine 29563 with aspartic acid.
Molecular consequence: missense variant.
Genome position (GRCh38, 1-based): chr2:178,554,659, C>T on the plus strand (G>A on the coding strand, the complement: TTN is on the minus strand). VCF-style: chr2-178554659-C-T. GRCh37 (hg19) VCF-style: chr2-179419386-C-T.
Other names: c.80984G>A, p.Gly26995Asp (NM_133378.4); c.83765G>A, p.Gly27922Asp (NM_001256850.1); c.61493G>A, p.Gly20498Asp (NM_003319.4); c.61868G>A, p.Gly20623Asp (NM_133432.3); c.62069G>A, p.Gly20690Asp (NM_133437.4); short protein forms G26995D, G29563D, G20690D, G20498D, G20623D, G27922D.
Identifiers: ClinVar variation 505374 (VCV000505374.5), dbSNP rs1335432771, ClinGen allele CA349525764.

ClinVar aggregate classification (germline): Uncertain significance (1 of 4 stars; one submission).

Allele frequency attached by ClinVar (database versions not stated): gnomAD exomes below 0.00001; gnomAD 0.00001; TOPMed 0.00001.
gnomAD v4.1: 3 of 1,613,768 alleles (0.00019%); highest among the groups gnomAD compares: East Asian, 0.0022%; no homozygotes.

Submission:

Laboratory for Molecular Medicine, Mass General Brigham Personalized Medicine
Classification: Uncertain significance. Last evaluated: 2016-10-25. Review status: criteria provided, single submitter. Criteria: LMM Criteria. Collection method: clinical testing. Allele origin: germline. Observed: 2 variant alleles.
Comment: The p.Gly26995Asp variant in TTN has not been previously reported in individuals with cardiomyopathy or in large population studies. Computational prediction to ols and conservation analysis suggest that the p.Gly26995Asp variant may impact the protein, though this information is not predictive enough to determine patho genicity. In summary, the clinical significance of the p.Gly26995Asp variant is uncertain.